The following is an entry in ClinVar:

ClinVar aggregate classification (germline): Uncertain significance. Review status: criteria provided, multiple submitters, no conflicts (2 of 4 stars). 2 submissions from 2 submitters: Uncertain significance (2). Last evaluated 2024-04-11.

Conditions:
Autosomal recessive ataxia, Beauce type. Also called: ATAXIA, RECESSIVE, OF BEAUCE; Spinocerebellar ataxia, autosomal recessive 8; SYNE1 Deficiency; SYNE1-Related Autosomal Recessive Cerebellar Ataxia. Identifiers: Orphanet 88644, MedGen C1853116, MONDO:0012549, OMIM 610743.
Emery-Dreifuss muscular dystrophy 4, autosomal dominant (EDMD4). Also called: EMERY-DREIFUSS MUSCULAR DYSTROPHY 4 WITH VARIABLE FEATURES. Identifiers: Orphanet 261, MedGen C2751807, MONDO:0013071, OMIM 612998.

Submissions (2):

Blueprint Genetics
Classification: Uncertain significance. Last evaluated: 2024-04-11. Review status: criteria provided, single submitter. Criteria: ACMG Guidelines, 2015. Collection method: clinical testing. Allele origin: germline.

Labcorp Genetics (formerly Invitae), Labcorp
Classification: Uncertain significance for Emery-Dreifuss muscular dystrophy 4, autosomal dominant; Autosomal recessive ataxia, Beauce type. Last evaluated: 2022-02-11. Review status: criteria provided, single submitter. Criteria: Invitae Variant Classification Sherloc (09022015). Collection method: clinical testing. Allele origin: germline.
Comment: This sequence change replaces isoleucine, which is neutral and non-polar, with leucine, which is neutral and non-polar, at codon 7802 of the SYNE1 protein (p.Ile7802Leu). This variant is present in population databases (no rsID available, gnomAD 0.0009%). This variant has not been reported in the literature in individuals affected with SYNE1-related conditions. Algorithms developed to predict the effect of missense changes on protein structure and function (SIFT, PolyPhen-2, Align-GVGD) all suggest that this variant is likely to be tolerated. In summary, the available evidence is currently insufficient to determine the role of this variant in disease. Therefore, it has been classified as a Variant of Uncertain Significance.

NM_182961.4(SYNE1):c.23617A>C (p.Ile7873Leu)

Gene: SYNE1 (spectrin repeat containing nuclear envelope protein 1; minus strand). Cytogenetic location: 6q25.2.
Variant type: single nucleotide variant.
Coding change: c.23617A>C on transcript NM_182961.4 (MANE Select); coding-DNA position 23617, A replaced by C.
Protein change: p.Ile7873Leu; replaces isoleucine 7873 with leucine.
Molecular consequence: missense variant.
Genome position (GRCh38, 1-based): chr6:152,176,404, T>G on the plus strand (A>C on the coding strand, the complement: SYNE1 is on the minus strand). VCF-style: chr6-152176404-T-G. GRCh37 (hg19) VCF-style: chr6-152497539-T-G.
Other names: c.223A>C, p.Ile75Leu (NM_001347701.2); c.23404A>C, p.Ile7802Leu (NM_033071.5); short protein forms I7873L, I75L, I7802L.
Identifiers: ClinVar variation 2059722 (VCV002059722.2), dbSNP rs1249661326, ClinGen allele CA366090123.